The following is an entry in ClinVar:

ClinVar aggregate classification (germline): Uncertain significance. Review status: criteria provided, multiple submitters, no conflicts (2 of 4 stars). 3 submissions from 3 submitters: Uncertain significance (2). 1 of the submissions does not count toward it. Last evaluated 2022-12-09.

Conditions:
Walker-Warburg congenital muscular dystrophy. Also called: Muscular dystrophy-dystroglycanopathy, type A; Walker-Warburg syndrome. Identifiers: Orphanet 899, MedGen C0265221, MONDO:0000171.
Cardiovascular phenotype. Identifiers: MedGen CN230736.
Autosomal recessive limb-girdle muscular dystrophy type 2I. Also called: MUSCULAR DYSTROPHY-DYSTROGLYCANOPATHY (LIMB-GIRDLE), TYPE C, 5; MUSCULAR DYSTROPHY, LIMB-GIRDLE, TYPE 2I; MUSCULAR DYSTROPHY-DYSTROGLYCANOPATHY, LIMB-GIRDLE, FRKP-RELATED. Identifiers: Orphanet 34515, MedGen C1846672, MONDO:0011787, OMIM 607155.

Allele frequency attached by ClinVar (database versions not stated): gnomAD exomes below 0.00001; TOPMed below 0.00001; gnomAD 0.00001.

Submissions (3):

Ambry Genetics
Classification: Uncertain significance for Cardiovascular phenotype. Last evaluated: 2022-12-09. Review status: criteria provided, single submitter. Criteria: Ambry Variant Classification Scheme 2023. Collection method: clinical testing. Allele origin: germline.
Comment: The p.L148I variant (also known as c.442C>A), located in coding exon 1 of the FKRP gene, results from a C to A substitution at nucleotide position 442. The leucine at codon 148 is replaced by isoleucine, an amino acid with highly similar properties. This amino acid position is conserved. In addition, the in silico prediction for this alteration is inconclusive. Since supporting evidence is limited at this time, the clinical significance of this alteration remains unclear.

Labcorp Genetics (formerly Invitae), Labcorp
Classification: Uncertain significance for Walker-Warburg congenital muscular dystrophy. Last evaluated: 2022-08-16. Review status: criteria provided, single submitter. Criteria: Invitae Variant Classification Sherloc (09022015). Collection method: clinical testing. Allele origin: germline.
Comment: This sequence change replaces leucine, which is neutral and non-polar, with isoleucine, which is neutral and non-polar, at codon 148 of the FKRP protein (p.Leu148Ile). This variant is not present in population databases (gnomAD no frequency). Algorithms developed to predict the effect of missense changes on protein structure and function (SIFT, PolyPhen-2, Align-GVGD) all suggest that this variant is likely to be tolerated. In summary, the available evidence is currently insufficient to determine the role of this variant in disease. Therefore, it has been classified as a Variant of Uncertain Significance.

Natera, Inc.
Classification: Uncertain significance for Limb-girdle muscular dystrophy type 2I. Last evaluated: 2020-07-14. Review status: no assertion criteria provided. Collection method: clinical testing. Allele origin: germline. Not counted in ClinVar's aggregate classification.

NM_024301.5(FKRP):c.442C>A (p.Leu148Ile)

Gene: FKRP (fukutin related protein; plus strand). Cytogenetic location: 19q13.32.
Variant type: single nucleotide variant.
Coding change: c.442C>A on transcript NM_024301.5 (MANE Select); coding-DNA position 442, C replaced by A.
Protein change: p.Leu148Ile; replaces leucine 148 with isoleucine.
Molecular consequence: missense variant.
Genome position (GRCh38, 1-based): chr19:46,755,892, C>A. VCF-style: chr19-46755892-C-A. GRCh37 (hg19) VCF-style: chr19-47259149-C-A.
Other names: c.442C>A, p.Leu148Ile (NM_001039885.3); short protein forms L148I.
Identifiers: ClinVar variation 650382 (VCV000650382.6), dbSNP rs1599935206, ClinGen allele CA406495335.